The following is an entry in ClinVar:

NM_001378454.1(ALMS1):c.7870G>C (p.Ala2624Pro)

Gene: ALMS1 (ALMS1 centrosome and basal body associated protein; plus strand). Cytogenetic location: 2p13.1.
Variant type: single nucleotide variant.
Coding change: c.7870G>C on transcript NM_001378454.1 (MANE Select); coding-DNA position 7870, G replaced by C.
Protein change: p.Ala2624Pro; replaces alanine 2624 with proline.
Molecular consequence: missense variant.
Genome position (GRCh38, 1-based): chr2:73,489,829, G>C. VCF-style: chr2-73489829-G-C. GRCh37 (hg19) VCF-style: chr2-73716956-G-C.
Other names: c.7873G>C, p.Ala2625Pro (NM_015120.4); short protein forms A2625P, A2624P.
Identifiers: ClinVar variation 2038333 (VCV002038333.2), dbSNP rs375121795, ClinGen allele CA50377594.
Genomic context (GRCh38, chr2:73,489,829, plus strand): 5'-TTCAGATCTGCTGGACCCTCAGAAATGACCAGAGGACGGCAGAACCCATCATCATGCAGA[G>C]CCAAGCATGTCAACCTTTCTGCATCCTTAGACCAGAACAACTCCCATTTCAAAGTTTGGA-3'
Protein context (NP_001365383.1, residues 2614-2634): RGRQNPSSCR[Ala2624Pro]KHVNLSASLD

ClinVar aggregate classification (germline): Uncertain significance (1 of 4 stars; one submission).

Conditions:
Alstrom syndrome (ALMS). Identifiers: Orphanet 64, MedGen C0268425, MONDO:0008763, OMIM 203800.

gnomAD v4.1: 1 of 1,614,128 alleles (0.000062%); no homozygotes.

Submission:

Labcorp Genetics (formerly Invitae), Labcorp
Classification: Uncertain significance for Alstrom syndrome. Last evaluated: 2025-09-22. Review status: criteria provided, single submitter. Criteria: Invitae Variant Classification Sherloc (09022015). Collection method: clinical testing. Allele origin: germline.
Comment: This sequence change replaces alanine, which is neutral and non-polar, with proline, which is neutral and non-polar, at codon 2625 of the ALMS1 protein (p.Ala2625Pro). This variant is not present in population databases (gnomAD no frequency). This variant has not been reported in the literature in individuals affected with ALMS1-related conditions. ClinVar contains an entry for this variant (Variation ID: 2038333). Experimental studies and prediction algorithms are not available or were not evaluated, and the functional significance of this variant is currently unknown. In summary, the available evidence is currently insufficient to determine the role of this variant in disease. Therefore, it has been classified as a Variant of Uncertain Significance.